The following is an entry in ClinVar:

ClinVar aggregate classification (germline): Likely benign (1 of 4 stars; one submission).

Submission:

Center for Pediatric Genomic Medicine, Children's Mercy Hospital and Clinics
Classification: Likely benign. Last evaluated: 2015-08-12. Review status: criteria provided, single submitter. Criteria: ACMG Guidelines, 2015. Collection method: clinical testing. Allele origin: germline.
ClinVar note: Converted during submission from Likely Benign to Likely benign.

NC_012920.1(MT-ND2):m.4688T>C

Gene: MT-ND2 (mitochondrially encoded NADH dehydrogenase 2; plus strand).
Variant type: single nucleotide variant.
Genome position: chrM-4688-T-C.
Identifiers: ClinVar variation 235516 (VCV000235516.3), dbSNP rs878853056, ClinGen allele CA10581339.
Genomic context (GRCh38, chrMT:4,688, plus strand): 5'-AGAAGCTGCCATCAAGTATTTCCTCACGCAAGCAACCGCATCCATAATCCTTCTAATAGC[T>C]ATCCTCTTCAACAATATACTCTCCGGACAATGAACCATAACCAATACTACCAATCAATAC-3'